The following is an entry in ClinVar:

ClinVar aggregate classification (germline): Pathogenic. Review status: criteria provided, multiple submitters, no conflicts (2 of 4 stars). 2 submissions from 2 submitters: Pathogenic (2). Last evaluated 2025-12-17.

Conditions:
Angelman syndrome (AS). Also called: HAPPY PUPPET SYNDROME. Identifiers: Orphanet 72, MedGen C0162635, MONDO:0007113, OMIM 105830. Disease mechanism: loss of function. Inheritance: AS is caused by disruption of maternally imprinted UBE3A located within the 15q11.2-q13 Angelman syndrome/Prader-Willi syndrome (AS/PWS) region., imprinting disorder.

Submissions (2):

GeneDx
Classification: Pathogenic. Last evaluated: 2025-12-17. Review status: criteria provided, single submitter. Criteria: GeneDx Variant Classification Process June 2021. Collection method: clinical testing. Allele origin: germline. Affected: yes.
Comment: Frameshift variant predicted to result in protein truncation or nonsense mediated decay in a gene for which loss of function is a known mechanism of disease; Not observed at significant frequency in large population cohorts (gnomAD); Has not been previously published as pathogenic or benign to our knowledge

Genetic Services Laboratory, University of Chicago
Classification: Pathogenic for Angelman syndrome. Last evaluated: 2013-02-08. Review status: criteria provided, single submitter. Criteria: ACMG Guidelines, 2007. Collection method: clinical testing. Allele origin: germline. Inheritance: Autosomal dominant inheritance. Affected: yes.

NM_130839.5(UBE3A):c.1834_1837del (p.Ile612fs)

Genes: SNHG14 (small nucleolar RNA host gene 14; plus strand), UBE3A (ubiquitin protein ligase E3A; minus strand). Cytogenetic location: 15q11.2.
Variant type: Deletion.
Coding change: c.1834_1837del on transcript NM_130839.5 (MANE Select); coding-DNA positions 1834 to 1837, 4 bases deleted (ATTG; older notation c.1834_1837delATTG).
Protein change: p.Ile612fs; shifts the reading frame from isoleucine 612.
Molecular consequence: frameshift variant. On other transcripts: non-coding transcript variant (1).
Genome position (GRCh38, 1-based): chr15:25,356,813-25,356,816, CAAT deleted on the plus strand (ATTG on the coding strand, the reverse complement: UBE3A is on the minus strand); deleting any 4 consecutive bases within chr15:25,356,813-25,356,818 gives the same sequence; the c. name uses the placement nearest the transcript's 3' end. VCF-style (leftmost placement, unchanged base first): chr15-25356812-CCAAT-C. GRCh37 (hg19) VCF-style: chr15-25601959-CCAAT-C.
Other names: c.1843_1846del, p.Ile615fs (NM_000462.5); c.1834_1837del, p.Ile612fs (NM_001354505.1, NM_001354538.2, NM_001354545.2); c.1774_1777del, p.Ile592fs (NM_001354506.2, NM_001354507.2, NM_001354508.2 and 17 more transcripts); c.1657_1660del, p.Ile553fs (NM_001354546.2); c.583_586del, p.Ile195fs (NM_001354550.2); c.523_526del, p.Ile175fs (NM_001354551.2); short protein forms I195fs, I612fs, I175fs, I553fs, I615fs, I592fs.
Identifiers: ClinVar variation 160213 (VCV000160213.8), dbSNP rs587784520, ClinGen allele CA333542.